The following is an entry in ClinVar:

ClinVar aggregate classification (germline): Conflicting classifications of pathogenicity. Review status: criteria provided, conflicting classifications (1 of 4 stars). 11 submissions from 11 submitters: Uncertain significance (1); Likely benign (6). 4 of the submissions do not count toward it. Last evaluated 2026-01-18.

Conditions:
VPS13B-related disorder. Also called: VPS13B-related condition.
Inborn genetic diseases. Identifiers: MedGen C0950123, MeSH D030342.
Cohen syndrome (COH1). Also called: Cutis verticis gyrata, retinitis pigmentosa, and sensorineural deafness; PEPPER SYNDROME. Identifiers: Orphanet 193, MedGen C0265223, MONDO:0008999, OMIM 216550.

Allele frequency attached by ClinVar (database versions not stated): ESP Exome Variant Server 0.00008; ExAC 0.00009; gnomAD exomes 0.00012 and 0.00013; gnomAD 0.00016; TOPMed 0.00041.
gnomAD v4.1: 225 of 1,613,974 alleles (0.014%); highest among the groups gnomAD compares: Admixed American, 0.02%; no homozygotes.

Submissions (11):

Labcorp Genetics (formerly Invitae), Labcorp
Classification: Likely benign for Cohen syndrome. Last evaluated: 2026-01-18. Review status: criteria provided, single submitter. Criteria: Invitae Variant Classification Sherloc (09022015). Collection method: clinical testing. Allele origin: germline.

Mayo Clinic Laboratories, Mayo Clinic
Classification: Likely benign. Last evaluated: 2025-04-15. Review status: criteria provided, single submitter. Criteria: ACMG Guidelines, 2015. Collection method: clinical testing. Allele origin: germline. Observed: 1 variant allele.
Comment: BP4, BP7

Blueprint Genetics
Classification: Likely benign. Last evaluated: 2024-09-02. Review status: criteria provided, single submitter. Criteria: ACMG Guidelines, 2015. Collection method: clinical testing. Allele origin: germline.

CeGaT Center for Human Genetics Tuebingen
Classification: Likely benign. Last evaluated: 2022-07-01. Review status: criteria provided, single submitter. Criteria: CeGaT Center For Human Genetics Tuebingen Variant Classification Criteria Version 2. Collection method: clinical testing. Allele origin: germline. Affected: yes. Observed: 1 variant allele.
Comment: VPS13B: BP4, BP7

Genetic Services Laboratory, University of Chicago
Classification: Likely benign. Last evaluated: 2021-06-22. Review status: criteria provided, single submitter. Criteria: ACMG Guidelines, 2015. Collection method: clinical testing. Allele origin: germline. Affected: no.

Fulgent Genetics
Classification: Uncertain significance for Cohen syndrome. Last evaluated: 2018-10-31. Review status: criteria provided, single submitter. Criteria: ACMG Guidelines, 2015. Collection method: clinical testing. Allele origin: unknown.

Ambry Genetics
Classification: Likely benign for Inborn genetic diseases. Last evaluated: 2017-04-08. Review status: criteria provided, single submitter. Criteria: Ambry Variant Classification Scheme 2023. Collection method: clinical testing. Allele origin: germline.

PreventionGenetics, part of Exact Sciences
Classification: Likely benign for VPS13B-related condition. Last evaluated: 2023-10-25. Review status: no assertion criteria provided. Collection method: clinical testing. Allele origin: germline. Not counted in ClinVar's aggregate classification.
Comment: This variant is classified as likely benign based on ACMG/AMP sequence variant interpretation guidelines (Richards et al. 2015 PMID: 25741868, with internal and published modifications).

Natera, Inc.
Classification: Uncertain significance for Cohen syndrome. Last evaluated: 2020-01-24. Review status: no assertion criteria provided. Collection method: clinical testing. Allele origin: germline. Not counted in ClinVar's aggregate classification.

Clinical Genetics DNA and cytogenetics Diagnostics Lab, Erasmus MC, Erasmus Medical Center
Classification: Likely benign. Review status: no assertion criteria provided. Collection method: clinical testing. Allele origin: germline. Affected: yes. Study: VKGL Data-share Consensus. Not counted in ClinVar's aggregate classification.

Clinical Genetics, Academic Medical Center
Classification: Likely benign. Review status: no assertion criteria provided. Collection method: clinical testing. Allele origin: germline. Affected: yes. Study: VKGL Data-share Consensus. Not counted in ClinVar's aggregate classification.

NM_152564.5(VPS13B):c.5607G>A (p.Thr1869=)

Gene: VPS13B (vacuolar protein sorting 13 homolog B; plus strand). Cytogenetic location: 8q22.2.
Variant type: single nucleotide variant.
Coding change: c.5607G>A on transcript NM_152564.5 (MANE Select); coding-DNA position 5607, G replaced by A.
Protein change: p.Thr1869=; no amino-acid change (threonine 1869 retained).
Molecular consequence: synonymous variant.
Genome position (GRCh38, 1-based): chr8:99,642,197, G>A. VCF-style: chr8-99642197-G-A. GRCh37 (hg19) VCF-style: chr8-100654425-G-A.
Other names: p.Thr1894=; c.5682G>A, p.Thr1894= (NM_017890.5); c.5607G>A (NM_152564.4).
Identifiers: ClinVar variation 212578 (VCV000212578.54), dbSNP rs368851580, ClinGen allele CA209589.